The following is an entry in ClinVar:

NM_170784.3(MKKS):c.117C>T (p.Pro39=)

Gene: MKKS (MKKS centrosomal shuttling protein; minus strand). Cytogenetic location: 20p12.2.
Variant type: single nucleotide variant.
Coding change: c.117C>T on transcript NM_170784.3 (MANE Select); coding-DNA position 117, C replaced by T.
Protein change: p.Pro39=; no amino-acid change (proline 39 retained).
Molecular consequence: synonymous variant.
Genome position (GRCh38, 1-based): chr20:10,413,398, G>A on the plus strand (C>T on the coding strand, the complement: MKKS is on the minus strand). VCF-style: chr20-10413398-G-A. GRCh37 (hg19) VCF-style: chr20-10394046-G-A.
Other names: p.Pro39=; c.117C>T; c.117C>T, p.Pro39= (NM_018848.3).
Identifiers: ClinVar variation 21669 (VCV000021669.28), dbSNP rs16991547, ClinGen allele CA202395.

ClinVar aggregate classification (germline): Benign. Review status: criteria provided, multiple submitters, no conflicts (2 of 4 stars). 13 submissions from 12 submitters: Benign (9). 4 of the submissions do not count toward it. Last evaluated 2026-02-04.

Conditions:
Bardet-Biedl syndrome (BBS). Identifiers: Orphanet 110, MedGen C0752166, MONDO:0015229.
McKusick-Kaufman syndrome (MKKS). Also called: HYDROMETROCOLPOS SYNDROME; HYDROMETROCOLPOS, POSTAXIAL POLYDACTYLY, AND CONGENITAL HEART MALFORMATION. Identifiers: Orphanet 2473, MedGen C0948368, MONDO:0009367, OMIM 236700.
Bardet-Biedl syndrome 6 (BBS6). Identifiers: Orphanet 110, MedGen C1858054, MONDO:0011523, OMIM 605231.

Allele frequency attached by ClinVar (database versions not stated): gnomAD exomes 0.15139 and 0.12792; ExAC 0.15688; ESP Exome Variant Server 0.17907; gnomAD 0.18435 and 0.18576; TOPMed 0.19061; 1000 Genomes Project 0.23842; 1000 Genomes Project 30x 0.24001.
gnomAD v4.1: 215,765 of 1,612,488 alleles (13%); highest among the groups gnomAD compares: African/African-American, 33%; 17,481 homozygotes.

Submissions (13):

Labcorp Genetics (formerly Invitae), Labcorp
Classification: Benign for McKusick-Kaufman syndrome; Bardet-Biedl syndrome. Last evaluated: 2026-02-04. Review status: criteria provided, single submitter. Criteria: Invitae Variant Classification Sherloc (09022015). Collection method: clinical testing. Allele origin: germline.

Blueprint Genetics
Classification: Benign. Last evaluated: 2024-11-28. Review status: criteria provided, single submitter. Criteria: ACMG Guidelines, 2015. Collection method: clinical testing. Allele origin: germline.

Mayo Clinic Laboratories, Mayo Clinic
Classification: Benign. Last evaluated: 2022-03-09. Review status: criteria provided, single submitter. Criteria: ACMG Guidelines, 2015. Collection method: clinical testing. Allele origin: germline. Observed: 19 variant alleles.

Illumina Laboratory Services, Illumina
Classification: Benign for Bardet-Biedl syndrome 6. Last evaluated: 2018-01-12. Review status: criteria provided, single submitter. Criteria: ICSL Variant Classification Criteria 13 December 2019. Collection method: clinical testing. Allele origin: germline.
Comment: This variant was observed in the ICSL laboratory as part of a predisposition screen in an ostensibly healthy population. It had not been previously curated by ICSL or reported in the Human Gene Mutation Database (HGMD: prior to June 1st, 2018), and was therefore a candidate for classification through an automated scoring system. Utilizing variant allele frequency, disease prevalence and penetrance estimates, and inheritance mode, an automated score was calculated to assess if this variant is too frequent to cause the disease. Based on the score and internal cut-off values, a variant classified as benign is not then subjected to further curation. The score for this variant resulted in a classification of benign for this disease.

Illumina Laboratory Services, Illumina
Classification: Benign for McKusick-Kaufman syndrome. Last evaluated: 2018-01-12. Review status: criteria provided, single submitter. Criteria: ICSL Variant Classification Criteria 13 December 2019. Collection method: clinical testing. Allele origin: germline.
Comment: the same text as in the submission from Illumina Laboratory Services, Illumina above.

GeneDx
Classification: Benign. Last evaluated: 2016-07-07. Review status: criteria provided, single submitter. Criteria: GeneDx Variant Classification (06012015). Collection method: clinical testing. Allele origin: germline. Affected: yes.
Comment: This variant is considered likely benign or benign based on one or more of the following criteria: it is a conservative change, it occurs at a poorly conserved position in the protein, it is predicted to be benign by multiple in silico algorithms, and/or has population frequency not consistent with disease.

Eurofins Ntd Llc (ga)
Classification: Benign. Last evaluated: 2015-04-06. Review status: criteria provided, single submitter. Criteria: EGL Classification Definitions 2015. Collection method: clinical testing. Allele origin: germline. Observed: 1 variant allele, 1 heterozygote.

Breakthrough Genomics
Classification: Benign. Review status: criteria provided, single submitter. Criteria: ACMG Guidelines, 2015. Collection method: not provided. Allele origin: germline. Inheritance: Autosomal recessive inheritance. Affected: yes.

PreventionGenetics, part of Exact Sciences
Classification: Benign. Review status: criteria provided, single submitter. Criteria: ACMG Guidelines, 2015. Collection method: clinical testing. Allele origin: germline.

GeneReviews
Classification: Benign for Bardet-Biedl Syndrome. Last evaluated: 2009-10-13. Review status: no assertion criteria provided. Collection method: curation. Allele origin: unknown. Not counted in ClinVar's aggregate classification.
ClinVar note: Converted during submission from benign to Benign.

Clinical Genetics DNA and cytogenetics Diagnostics Lab, Erasmus MC, Erasmus Medical Center
Classification: Benign. Review status: no assertion criteria provided. Collection method: clinical testing. Allele origin: germline. Affected: yes. Study: VKGL Data-share Consensus. Not counted in ClinVar's aggregate classification.

Department of Ophthalmology and Visual Sciences Kyoto University
Classification: Likely benign. Review status: no assertion criteria provided. Collection method: not provided. Allele origin: unknown. Not counted in ClinVar's aggregate classification.
ClinVar note: Converted during submission from probable-non-pathogenic to Likely benign.

Joint Genome Diagnostic Labs from Nijmegen and Maastricht, Radboudumc and MUMC+
Classification: Benign. Review status: no assertion criteria provided. Collection method: clinical testing. Allele origin: germline. Affected: yes. Study: VKGL Data-share Consensus. Not counted in ClinVar's aggregate classification.